The following is an entry in ClinVar:

ClinVar aggregate classification (germline): Uncertain significance. Review status: criteria provided, multiple submitters, no conflicts (2 of 4 stars). 2 submissions from 2 submitters: Uncertain significance (2). Last evaluated 2024-12-22.

Conditions:
Epilepsy, familial adult myoclonic, 5 (EPEO5). Also called: CORTICAL MYOCLONIC TREMOR WITH EPILEPSY, FAMILIAL, 5. Identifiers: Orphanet 86814, MedGen C3809374, MONDO:0014167, OMIM 615400.

Submissions (2):

Ambry Genetics
Classification: Uncertain significance. Last evaluated: 2024-12-22. Review status: criteria provided, single submitter. Criteria: Ambry Variant Classification Scheme 2023. Collection method: clinical testing. Allele origin: germline.

Labcorp Genetics (formerly Invitae), Labcorp
Classification: Uncertain significance for Epilepsy, familial adult myoclonic, 5. Last evaluated: 2022-06-16. Review status: criteria provided, single submitter. Criteria: Invitae Variant Classification Sherloc (09022015). Collection method: clinical testing. Allele origin: germline.
Comment: This variant is not present in population databases (gnomAD no frequency). This sequence change replaces leucine, which is neutral and non-polar, with valine, which is neutral and non-polar, at codon 1032 of the CNTN2 protein (p.Leu1032Val). This variant has not been reported in the literature in individuals affected with CNTN2-related conditions. In summary, the available evidence is currently insufficient to determine the role of this variant in disease. Therefore, it has been classified as a Variant of Uncertain Significance. Advanced modeling of protein sequence and biophysical properties (such as structural, functional, and spatial information, amino acid conservation, physicochemical variation, residue mobility, and thermodynamic stability) performed at Invitae indicates that this missense variant is not expected to disrupt CNTN2 protein function.

NM_005076.5(CNTN2):c.3094C>G (p.Leu1032Val)

Gene: CNTN2 (contactin 2; plus strand). Cytogenetic location: 1q32.1.
Variant type: single nucleotide variant.
Coding change: c.3094C>G on transcript NM_005076.5 (MANE Select); coding-DNA position 3094, C replaced by G.
Protein change: p.Leu1032Val; replaces leucine 1032 with valine.
Molecular consequence: missense variant. On other transcripts: non-coding transcript variant (1).
Genome position (GRCh38, 1-based): chr1:205,073,736, C>G. VCF-style: chr1-205073736-C-G. GRCh37 (hg19) VCF-style: chr1-205042864-C-G.
Other names: c.3094C>G, p.Leu1032Val (NM_001346083.2); c.3094C>G (NM_005076.3); short protein forms L1032V.
Identifiers: ClinVar variation 1992912 (VCV001992912.5), dbSNP rs746653867, ClinGen allele CA344384327.
Genomic context (GRCh38, chr1:205,073,736, plus strand): 5'-AACATGGCAGTCCGCCCAGCACCACACCCTGGCACCGTCATTTCCCACTCCGTGGCGATG[C>G]TGATCCTCATAGGCTCCCTGGAGCTCTGATCCTGGAACCCCTCCCTCTGCGCCGCAGCTG-3'
Protein context (NP_005067.1, residues 1022-1040): GTVISHSVAM[Leu1032Val]ILIGSLEL